The following is an entry in ClinVar:

ClinVar aggregate classification (germline): Uncertain significance (1 of 4 stars; one submission).

Conditions:
Myopathy, centronuclear, 2 (CNM2). Also called: MYOTUBULAR MYOPATHY, AUTOSOMAL RECESSIVE. Identifiers: Orphanet 169186, MedGen CN031787, MONDO:0009709, OMIM 255200.

Allele frequency attached by ClinVar (database versions not stated): gnomAD exomes below 0.00001.
gnomAD v4.1: 2 of 1,576,072 alleles (0.00013%); highest among the groups gnomAD compares: Non-Finnish European, 0.00017%; no homozygotes.

Submission:

Labcorp Genetics (formerly Invitae), Labcorp
Classification: Uncertain significance for Myopathy, centronuclear, 2. Last evaluated: 2022-06-09. Review status: criteria provided, single submitter. Criteria: Invitae Variant Classification Sherloc (09022015). Collection method: clinical testing. Allele origin: germline.
Comment: In summary, the available evidence is currently insufficient to determine the role of this variant in disease. Therefore, it has been classified as a Variant of Uncertain Significance. Algorithms developed to predict the effect of missense changes on protein structure and function output the following: SIFT: "Tolerated"; PolyPhen-2: "Benign"; Align-GVGD: "Class C0". The serine amino acid residue is found in multiple mammalian species, which suggests that this missense change does not adversely affect protein function. This variant has not been reported in the literature in individuals affected with BIN1-related conditions. This variant is not present in population databases (gnomAD no frequency). This sequence change replaces asparagine, which is neutral and polar, with serine, which is neutral and polar, at codon 288 of the BIN1 protein (p.Asn288Ser).

NM_139343.3(BIN1):c.863A>G (p.Asn288Ser)

Gene: BIN1 (bridging integrator 1; minus strand). Cytogenetic location: 2q14.3.
Variant type: single nucleotide variant.
Coding change: c.863A>G on transcript NM_139343.3 (MANE Select); coding-DNA position 863, A replaced by G.
Protein change: p.Asn288Ser; replaces asparagine 288 with serine.
Molecular consequence: missense variant.
Genome position (GRCh38, 1-based): chr2:127,059,150, T>C on the plus strand (A>G on the coding strand, the complement: BIN1 is on the minus strand). VCF-style: chr2-127059150-T-C. GRCh37 (hg19) VCF-style: chr2-127816726-T-C.
Other names: c.815A>G, p.Asn272Ser (NM_001320632.2, NM_004305.4, NM_139346.3); c.863A>G, p.Asn288Ser (NM_001320633.2, NM_001320640.2, NM_139344.3 and 1 more transcripts); c.698A>G, p.Asn233Ser (NM_001320634.1); c.770A>G, p.Asn257Ser (NM_001320641.2, NM_139347.3, NM_139348.3 and 3 more transcripts); c.782A>G, p.Asn261Ser (NM_001320642.1); short protein forms N261S, N272S, N257S, N288S, N233S.
Identifiers: ClinVar variation 1461113 (VCV001461113.6), dbSNP rs2104954121, ClinGen allele CA348380078.
Genomic context (GRCh38, chr2:127,059,150, plus strand): 5'-GGGGTGGCGGCAGGGGAGCCATCTGGAGGCGAAGGGCTCTTGTTCCCTTTTGCAGGCGCG[T>C]TGTCACTGTGGGGGAGGACAAGAAAGGGAGCCCAGTGTTGGGGGGCCAAGGCACAGGAGA-3'
Protein context (NP_647593.1, residues 278-298): TFTVKAQPSD[Asn288Ser]APAKGNKSPS